The following is an entry in ClinVar:

NM_145207.3(AFG2A):c.1573A>C (p.Asn525His)

Gene: AFG2A (AAA ATPase AFG2A; plus strand). Cytogenetic location: 4q28.1.
Variant type: single nucleotide variant.
Coding change: c.1573A>C on transcript NM_145207.3 (MANE Select); coding-DNA position 1573, A replaced by C.
Protein change: p.Asn525His; replaces asparagine 525 with histidine.
Molecular consequence: missense variant.
Genome position (GRCh38, 1-based): chr4:122,947,347, A>C. VCF-style: chr4-122947347-A-C. GRCh37 (hg19) VCF-style: chr4-123868502-A-C.
Other names: c.1570A>C, p.Asn524His (NM_001317799.2, NM_001345856.2); short protein forms N524H, N525H.
Identifiers: ClinVar variation 1473826 (VCV001473826.7), dbSNP rs1730083556, ClinGen allele CA358108265.
Genomic context (GRCh38, chr4:122,947,347, plus strand): 5'-TTGGATGCTGCTCTCCGAAGACCTGGGCGATTTGATAAAGAGATTGAGATTGGAGTTCCC[A>C]ATGCTCAGGACCGGCTAGATATTCTCCAGAAACTGCTTCGAAGGGTACCCCATTTGCTCA-3'
Protein context (NP_660208.2, residues 515-535): FDKEIEIGVP[Asn525His]AQDRLDILQK

ClinVar aggregate classification (germline): Uncertain significance (1 of 4 stars; one submission).

Conditions:
Microcephaly-intellectual disability-sensorineural hearing loss-epilepsy-abnormal muscle tone syndrome (NEDHSB). Also called: NEURODEVELOPMENTAL DISORDER WITH HEARING LOSS, SEIZURES, AND BRAIN ABNORMALITIES. Identifiers: Orphanet 457351, MedGen C4225276, MONDO:0014698, OMIM 616577.

Submission:

Labcorp Genetics (formerly Invitae), Labcorp
Classification: Uncertain significance for Microcephaly-intellectual disability-sensorineural hearing loss-epilepsy-abnormal muscle tone syndrome. Last evaluated: 2022-07-12. Review status: criteria provided, single submitter. Criteria: Invitae Variant Classification Sherloc (09022015). Collection method: clinical testing. Allele origin: germline.
Comment: Advanced modeling of protein sequence and biophysical properties (such as structural, functional, and spatial information, amino acid conservation, physicochemical variation, residue mobility, and thermodynamic stability) performed at Invitae indicates that this missense variant is expected to disrupt SPATA5 protein function. In summary, the available evidence is currently insufficient to determine the role of this variant in disease. Therefore, it has been classified as a Variant of Uncertain Significance. This variant has not been reported in the literature in individuals affected with SPATA5-related conditions. This variant is not present in population databases (gnomAD no frequency). This sequence change replaces asparagine, which is neutral and polar, with histidine, which is basic and polar, at codon 525 of the SPATA5 protein (p.Asn525His). ClinVar contains an entry for this variant (Variation ID: 1473826).